The following is an entry in ClinVar:

ClinVar aggregate classification (germline): Conflicting classifications of pathogenicity. Review status: criteria provided, conflicting classifications (1 of 4 stars). 3 submissions from 3 submitters: Pathogenic (1); Uncertain significance (1). 1 of the submissions does not count toward it. Last evaluated 2024-10-29.

Conditions:
Hereditary cancer-predisposing syndrome. Also called: Hereditary neoplastic syndrome; Hereditary Cancer Syndrome; Tumor predisposition; Neoplastic Syndromes, Hereditary. Identifiers: Orphanet 140162, MedGen C0027672, MeSH D009386, MONDO:0015356.
Carcinoma of colon (CRC). Also called: Colon carcinoma; Colonic carcinoma. Identifiers: MedGen C0699790, MONDO:0002032.

Submissions (3):

Ambry Genetics
Classification: Pathogenic for Hereditary cancer-predisposing syndrome. Last evaluated: 2024-10-29. Review status: criteria provided, single submitter. Criteria: Ambry Variant Classification Scheme 2023. Collection method: clinical testing. Allele origin: germline.
Comment: The p.G1316R pathogenic mutation (also known as c.3946G>A), located in coding exon 9 of the MSH6 gene, results from a G to A substitution at nucleotide position 3946. The glycine at codon 1316 is replaced by arginine, an amino acid with dissimilar properties. This variant has been identified in the homozygous state in an individual who met clinical criteria for MSH6-related constitutional mismatch repair deficiency (Bakry D et al. Eur J Cancer, 2014 Mar;50:987-96; Shuen AY et al. J Clin Oncol, 2019 Feb;37:461-470). This amino acid position is highly conserved in available vertebrate species. In addition, this alteration is predicted to be deleterious by in silico analysis. Based on the supporting evidence, this variant is interpreted as a disease-causing mutation.

Quest Diagnostics Nichols Institute San Juan Capistrano
Classification: Uncertain significance. Last evaluated: 2024-08-01. Review status: criteria provided, single submitter. Criteria: Quest Diagnostics criteria. Collection method: clinical testing. Allele origin: unknown.
Comment: The MSH6 c.3946G>A (p.Gly1316Arg) variant has been reported in the published literature in a homozygous state in an individual with Constitutional mismatch repair deficiency (CMMRD) (PMID: 24440087 (2014)). The frequency of this variant in the general population, 0.000004 (1/249530 chromosomes (Genome Aggregation Database)), is uninformative in the assessment of its pathogenicity. Analysis of this variant using bioinformatics tools for the prediction of the effect of amino acid changes on protein structure and function yielded predictions that this variant is damaging. Based on the available information, we are unable to determine the clinical significance of this variant.

Department of Pathology and Laboratory Medicine, Sinai Health System
Classification: Uncertain significance for Carcinoma of colon. Review status: no assertion criteria provided. Collection method: clinical testing. Allele origin: unknown. Affected: yes. Study: The Canadian Open Genetics Repository (COGR). Not counted in ClinVar's aggregate classification.
Comment: The p.Gly1316Arg variant has not been reported in the literature nor previously identified by our laboratory. The p.Gly1316 residue is conserved in mammals, but not in lower organisms such as invertebrates. Computational analyses including PolyPhen2 and SIFT suggest the variant may impact the protein product. However, AlignGVGD predicts a more benign role for the variant. However, these prediction tools are not very predictive of pathogenicity. In summary, based on the above information, the clinical significance of this variant cannot be determined with certainty at this time. This variant is classified as a variant of unknown significance.

Literature cited by the submitters: PubMed 24440087 (cited by Ambry Genetics and Quest Diagnostics Nichols Institute San Juan Capistrano); PubMed 30608896 (cited by Ambry Genetics).

NM_000179.3(MSH6):c.3946G>A (p.Gly1316Arg)

Gene: MSH6 (mutS homolog 6; plus strand). Cytogenetic location: 2p16.3.
Variant type: single nucleotide variant.
Coding change: c.3946G>A on transcript NM_000179.3 (MANE Select); coding-DNA position 3946, G replaced by A.
Protein change: p.Gly1316Arg; replaces glycine 1316 with arginine.
Molecular consequence: missense variant.
Genome position (GRCh38, 1-based): chr2:47,806,596, G>A. VCF-style: chr2-47806596-G-A. GRCh37 (hg19) VCF-style: chr2-48033735-G-A.
Other names: c.3556G>A, p.Gly1186Arg (NM_001281492.2); c.3040G>A, p.Gly1014Arg (NM_001281493.2, NM_001281494.2); short protein forms G1316R, G1186R, G1014R.
Identifiers: ClinVar variation 433930 (VCV000433930.4), dbSNP rs773675555, ClinGen allele CA346761515.